The following is an entry in ClinVar:

ClinVar aggregate classification (germline): Uncertain significance (1 of 4 stars; one submission).

Allele frequency attached by ClinVar (database versions not stated): ExAC 0.00001; gnomAD 0.00001; gnomAD exomes 0.00001; TOPMed 0.00001.
gnomAD v4.1: 14 of 1,611,812 alleles (0.00087%); highest among the groups gnomAD compares: Non-Finnish European, 0.0011%; no homozygotes.

Submission:

CeGaT Center for Human Genetics Tuebingen
Classification: Uncertain significance. Last evaluated: 2023-06-01. Review status: criteria provided, single submitter. Criteria: CeGaT Center For Human Genetics Tuebingen Variant Classification Criteria Version 2. Collection method: clinical testing. Allele origin: germline. Affected: yes. Observed: 1 variant allele.
Comment: EIF2AK2: PM2, BP4

NM_001135651.3(EIF2AK2):c.509C>T (p.Thr170Ile)

Gene: EIF2AK2 (eukaryotic translation initiation factor 2 alpha kinase 2; minus strand). Cytogenetic location: 2p22.2.
Variant type: single nucleotide variant.
Coding change: c.509C>T on transcript NM_001135651.3 (MANE Select); coding-DNA position 509, C replaced by T.
Protein change: p.Thr170Ile; replaces threonine 170 with isoleucine.
Molecular consequence: missense variant.
Genome position (GRCh38, 1-based): chr2:37,139,638, G>A on the plus strand (C>T on the coding strand, the complement: EIF2AK2 is on the minus strand). VCF-style: chr2-37139638-G-A. GRCh37 (hg19) VCF-style: chr2-37366781-G-A.
Other names: c.509C>T, p.Thr170Ile (NM_001135652.3, NM_002759.4); short protein forms T170I.
Identifiers: ClinVar variation 2650833 (VCV002650833.24), dbSNP rs770879483, ClinGen allele CA1615320.
Genomic context (GRCh38, chr2:37,139,638, plus strand): 5'-AACTTCAGAGGGAATTTTAAAACATAAAAATTTAATCCAAAGGCAATACGTACCACTGAG[G>A]TTTCTTCTGATAATATCTGAAGATATGCAAGTTTAGCGGCCAATTGTTTTGCTTCCTGTT-3'
Protein context (NP_001129123.1, residues 160-180): LAYLQILSEE[Thr170Ile]SVKSDYLSSG